The following is an entry in ClinVar:

ClinVar aggregate classification (germline): Likely benign. Review status: criteria provided, single submitter (1 of 4 stars). 2 submissions from 2 submitters: Likely benign (1). 1 of the submissions does not count toward it. Last evaluated 2025-12-23.

Conditions:
TBCE-related disorder. Also called: TBCE-related disorders; TBCE-related condition.

Allele frequency attached by ClinVar (database versions not stated): gnomAD exomes 0.00001 and 0.00005; ExAC 0.00003; gnomAD 0.00022 and 0.00023; TOPMed 0.00053; 1000 Genomes Project 0.00080; 1000 Genomes Project 30x 0.00094.
gnomAD v4.1: 67 of 1,613,930 alleles (0.0042%); highest among the groups gnomAD compares: Admixed American, 0.082%; 1 homozygote.

Submissions (2):

Labcorp Genetics (formerly Invitae), Labcorp
Classification: Likely benign. Last evaluated: 2025-12-23. Review status: criteria provided, single submitter. Criteria: Invitae Variant Classification Sherloc (09022015). Collection method: clinical testing. Allele origin: germline.

PreventionGenetics, part of Exact Sciences
Classification: Likely benign for TBCE-related condition. Last evaluated: 2019-09-16. Review status: no assertion criteria provided. Collection method: clinical testing. Allele origin: germline. Not counted in ClinVar's aggregate classification.
Comment: This variant is classified as likely benign based on ACMG/AMP sequence variant interpretation guidelines (Richards et al. 2015 PMID: 25741868, with internal and published modifications).

NM_003193.5(TBCE):c.843A>G (p.Gln281=)

Gene: TBCE (tubulin folding cofactor E; plus strand). Cytogenetic location: 1q42.3.
Variant type: single nucleotide variant.
Coding change: c.843A>G on transcript NM_003193.5 (MANE Select); coding-DNA position 843, A replaced by G.
Protein change: p.Gln281=; no amino-acid change (glutamine 281 retained).
Molecular consequence: synonymous variant.
Genome position (GRCh38, 1-based): chr1:235,436,395, A>G. VCF-style: chr1-235436395-A-G. GRCh37 (hg19) VCF-style: chr1-235599710-A-G.
Other names: c.843A>G, p.Gln281= (NM_001079515.3); c.996A>G, p.Gln332= (NM_001287801.2); c.504A>G, p.Gln168= (NM_001287802.2); c.996A>G (NM_001287801.1).
Identifiers: ClinVar variation 740448 (VCV000740448.12), dbSNP rs190849182, ClinGen allele CA1464231.